The following is an entry in ClinVar:

NM_003742.4(ABCB11):c.3213+1del

Gene: ABCB11 (ATP binding cassette subfamily B member 11; minus strand). Cytogenetic location: 2q31.1.
Variant type: Deletion.
Coding change: c.3213+1del on transcript NM_003742.4 (MANE Select); the canonical splice donor site of the intron after coding-DNA position 3213, one base deleted (G; older notation c.3213+1delG).
Molecular consequence: splice donor variant.
Genome position (GRCh38, 1-based): chr2:168,932,376, C deleted on the plus strand (G on the coding strand, the reverse complement: ABCB11 is on the minus strand); the first of 3 consecutive C bases (chr2:168,932,376-168,932,378); deleting any one gives the same sequence. VCF-style (leftmost placement, unchanged base first): chr2-168932375-AC-A. GRCh37 (hg19) VCF-style: chr2-169788885-AC-A.
Identifiers: ClinVar variation 521014 (VCV000521014.14), dbSNP rs1553546495, ClinGen allele CA658795957.
Genomic context (GRCh38, chr2:168,932,375, plus strand): 5'-CTGTCCCTGCAAAGGACATGAACTCATCCTTTTTTATGGCTGCATAGTATTCCAACACTT[AC>A]CCATTTTTCACCTGCAGTATTGTATACACTGATTGGGGGTTGTCGGTCCAGCAGTTGAAA-3'

ClinVar aggregate classification (germline): Pathogenic. Review status: criteria provided, multiple submitters, no conflicts (2 of 4 stars). 3 submissions from 3 submitters: Pathogenic (3). Last evaluated 2026-04-14.

Conditions:
Familial intrahepatic cholestasis. Identifiers: Orphanet 284385, MedGen CN296401, MONDO:0017290.
Inborn genetic diseases. Identifiers: MedGen C0950123, MeSH D030342.

Submissions (3):

Genomenon, Inc
Classification: Pathogenic for Familial intrahepatic cholestasis. Last evaluated: 2026-04-14. Review status: criteria provided, single submitter. Criteria: Genomenon Sequence Variant Interpretation Standards - Updated. Collection method: curation. Allele origin: germline. Affected: yes.
Comment: ABCB11 c.3213+1del is a deletion variant that affects the donor splice site of intron 24. It is predicted to affect mRNA splicing, leading to a deleterious effect on the ABCB11 protein. This variant has been observed in at least one proband with an ABCB11-related disorder (PMID:10579978;18395098;26516723). It is absent or not present at a significant frequency in gnomAD. In conclusion, we classify ABCB11 c.3213+1del as a pathogenic variant.

Labcorp Genetics (formerly Invitae), Labcorp
Classification: Pathogenic. Last evaluated: 2020-06-01. Review status: criteria provided, single submitter. Criteria: Invitae Variant Classification Sherloc (09022015). Collection method: clinical testing. Allele origin: germline.
Comment: For these reasons, this variant has been classified as Pathogenic. Loss-of-function variants in ABCB11 are known to be pathogenic (PMID: 18395098, 20232290). Algorithms developed to predict the effect of sequence changes on RNA splicing suggest that this variant may disrupt the consensus splice site, but this prediction has not been confirmed by published transcriptional studies. This variant has been observed in individual(s) with ABCB11-related conditions (PMID: 10579978, 26516723). This variant is also known as del1 at 3213 and c.3213+1delG in the literature. ClinVar contains an entry for this variant (Variation ID: 521014). This variant is not present in population databases (ExAC no frequency). This sequence change creates a premature translational stop signal (p.Asp1072Thrfs*25) in the ABCB11 gene. It is expected to result in an absent or disrupted protein product.

Ambry Genetics
Classification: Pathogenic for Inborn genetic diseases. Last evaluated: 2016-03-16. Review status: criteria provided, single submitter. Criteria: Ambry exome assertion method (8-5-2015). Collection method: clinical testing. Allele origin: germline. Affected: yes. Observed: 1 variant allele.

Literature cited by the submitters: PubMed 10579978 (cited by Genomenon, Inc and Labcorp Genetics (formerly Invitae), Labcorp); PubMed 18395098 (cited by Genomenon, Inc and Labcorp Genetics (formerly Invitae), Labcorp); PubMed 26516723 (cited by Genomenon, Inc and Labcorp Genetics (formerly Invitae), Labcorp); PubMed 20232290 (cited by Labcorp Genetics (formerly Invitae), Labcorp).